The following is an entry in ClinVar:

NM_006642.5(SDCCAG8):c.2112+8G>A

Genes: AKT3 (AKT serine/threonine kinase 3; minus strand), SDCCAG8 (SHH signaling and ciliogenesis regulator SDCCAG8; plus strand). Cytogenetic location: 1q43.
Variant type: single nucleotide variant.
Coding change: c.2112+8G>A on transcript NM_006642.5 (MANE Select); 8 bases into the intron after coding-DNA position 2112, G replaced by A.
Molecular consequence: intron variant.
Genome position (GRCh38, 1-based): chr1:243,489,148, G>A. VCF-style: chr1-243489148-G-A. GRCh37 (hg19) VCF-style: chr1-243652450-G-A.
Other names: c.1818+8G>A (NM_001350249.2); c.1209+8G>A (NM_001350251.2, NM_001350246.2, NM_001350247.2); c.2208+8G>A (NM_001350248.2); c.*7-698C>T (NM_181690.2).
Identifiers: ClinVar variation 1575874 (VCV001575874.10), dbSNP rs2148267459, ClinGen allele CA2573132969.

ClinVar aggregate classification (germline): Likely benign. Review status: criteria provided, single submitter (1 of 4 stars). 2 submissions from 2 submitters: Likely benign (1). 1 of the submissions does not count toward it. Last evaluated 2021-11-15.

Conditions:
Bardet-Biedl syndrome 16 (BBS16). Identifiers: Orphanet 110, MedGen C3889474, MONDO:0014444, OMIM 615993.
Senior-Loken syndrome 7 (SLSN7). Identifiers: Orphanet 3156, MedGen C3150877, MONDO:0013326, OMIM 613615.
SDCCAG8-related disorder. Also called: SDCCAG8-related condition; SDCCAG8-Related Disorders.

gnomAD v4.1: 4 of 1,611,474 alleles (0.00025%); highest among the groups gnomAD compares: Non-Finnish European, 0.00034%; no homozygotes.

Submissions (2):

Labcorp Genetics (formerly Invitae), Labcorp
Classification: Likely benign for Bardet-Biedl syndrome 16; Senior-Loken syndrome 7. Last evaluated: 2021-11-15. Review status: criteria provided, single submitter. Criteria: Invitae Variant Classification Sherloc (09022015). Collection method: clinical testing. Allele origin: germline.

PreventionGenetics, part of Exact Sciences
Classification: Likely benign for SDCCAG8-related condition. Last evaluated: 2022-08-02. Review status: no assertion criteria provided. Collection method: clinical testing. Allele origin: germline. Not counted in ClinVar's aggregate classification.
Comment: This variant is classified as likely benign based on ACMG/AMP sequence variant interpretation guidelines (Richards et al. 2015 PMID: 25741868, with internal and published modifications).